The following is an entry in ClinVar:

NM_000122.2(ERCC3):c.760C>T (p.Gln254Ter)

Gene: ERCC3 (ERCC excision repair 3, TFIIH core complex helicase subunit; minus strand). Cytogenetic location: 2q14.3.
Variant type: single nucleotide variant.
Coding change: c.760C>T on transcript NM_000122.2 (MANE Select); coding-DNA position 760, C replaced by T.
Protein change: p.Gln254Ter; replaces glutamine 254 with a stop codon.
Molecular consequence: nonsense.
Genome position (GRCh38, 1-based): chr2:127,289,399, G>A on the plus strand (C>T on the coding strand, the complement: ERCC3 is on the minus strand). VCF-style: chr2-127289399-G-A. GRCh37 (hg19) VCF-style: chr2-128046975-G-A.
Other names: c.568C>T, p.Gln190Ter (NM_001303416.2, NM_001303418.2); short protein forms Q190*, Q254*.
Identifiers: ClinVar variation 3255224 (VCV003255224.3), dbSNP rs755764533.

ClinVar aggregate classification (germline): Pathogenic. Review status: criteria provided, multiple submitters, no conflicts (2 of 4 stars). 2 submissions from 2 submitters: Pathogenic (2). Last evaluated 2024-03-27.

Conditions:
Xeroderma pigmentosum group B. Also called: XPB/CS; XERODERMA PIGMENTOSUM B/COCKAYNE SYNDROME; ERCC3-Related Xeroderma Pigmentosum; XP, GROUP B. Identifiers: MedGen C0268136, MONDO:0012531, OMIM 610651.

Allele frequency attached by ClinVar (database versions not stated): TOPMed below 0.00001; gnomAD 0.00003; gnomAD exomes 0.00003.
gnomAD v4.1: 44 of 1,613,390 alleles (0.0027%); highest among the groups gnomAD compares: Non-Finnish European, 0.0036%; no homozygotes.

Submissions (2):

Labcorp Genetics (formerly Invitae), Labcorp
Classification: Pathogenic. Last evaluated: 2024-03-27. Review status: criteria provided, single submitter. Criteria: Invitae Variant Classification Sherloc (09022015). Collection method: clinical testing. Allele origin: germline.
Comment: This sequence change creates a premature translational stop signal (p.Gln254*) in the ERCC3 gene. It is expected to result in an absent or disrupted protein product. Loss-of-function variants in ERCC3 are known to be pathogenic (PMID: 16947863). This variant is present in population databases (rs755764533, gnomAD 0.002%). This variant has not been reported in the literature in individuals affected with ERCC3-related conditions. For these reasons, this variant has been classified as Pathogenic.

Victorian Clinical Genetics Services, Murdoch Childrens Research Institute
Classification: Pathogenic for Xeroderma pigmentosum group B. Last evaluated: 2023-12-21. Review status: criteria provided, single submitter. Criteria: ACMG Guidelines, 2015. Collection method: clinical testing. Allele origin: germline. Inheritance: Autosomal recessive inheritance. Affected: no.
Comment: Based on the classification scheme VCGS_Germline_v1.3.4, this variant is classified as Pathogenic. Following criteria are met: 0102 - Loss of function is a known mechanism of disease in this gene and is associated with photosensitive trichothiodystrophy 2 (MIM#616390) and xeroderma pigmentosum, group B (MIM#610651). (I) 0106 - This gene is associated with autosomal recessive disease. (I) 0201 - Variant is predicted to cause nonsense-mediated decay (NMD) and loss of protein (premature termination codon is located at least 54 nucleotides upstream of the final exon-exon junction). (SP) 0251 - This variant is heterozygous. (I) 0304 - Variant is present in gnomAD (v2) <0.01 for a recessive condition (4 heterozygotes, 0 homozygotes). (SP) 0701 - Other null variants comparable to the one identified in this case have very strong previous evidence for pathogenicity. There are at least ten NMD-predicted variants that have been reported as likely pathogenic or pathogenic (DECIPHER). (SP) 0803 - This variant has limited previous evidence of pathogenicity in an unrelated individual. This variant has been classified once as pathogenic; however, limited evidence was provided (LOVD). (SP) 0905 - No published segregation evidence has been identified for this variant. (I) 1007 - No published functional evidence has been identified for this variant. (I) Legend: (SP) - Supporting pathogenic, (I) - Information, (SB) - Supporting benign

Literature cited by the submitters: PubMed 16947863 (cited by Labcorp Genetics (formerly Invitae), Labcorp).